The following is an entry in ClinVar:

NM_004168.4(SDHA):c.1890G>C (p.Val630=)

Gene: SDHA (succinate dehydrogenase complex flavoprotein subunit A; plus strand). Cytogenetic location: 5p15.33.
Variant type: single nucleotide variant.
Coding change: c.1890G>C on transcript NM_004168.4 (MANE Select); coding-DNA position 1890, G replaced by C.
Protein change: p.Val630=; no amino-acid change (valine 630 retained).
Molecular consequence: synonymous variant.
Genome position (GRCh38, 1-based): chr5:254,488, G>C. VCF-style: chr5-254488-G-C. GRCh37 (hg19) VCF-style: chr5-254603-G-C.
Other names: c.1746G>C, p.Val582= (NM_001294332.2); c.1647G>C, p.Val549= (NM_001330758.2).
Identifiers: ClinVar variation 820228 (VCV000820228.14), dbSNP rs1405784467, ClinGen allele CA359002193.

ClinVar aggregate classification (germline): Benign/Likely benign. Review status: criteria provided, multiple submitters, no conflicts (2 of 4 stars). 3 submissions from 3 submitters: Benign (1); Likely benign (2). Last evaluated 2025-07-30.

Conditions:
Pheochromocytoma/paraganglioma syndrome 5. Also called: Paragangliomas 5; SDHA-Related Hereditary Paraganglioma-Pheochromocytoma Syndrome. Identifiers: Orphanet 29072, MedGen C3279992, MONDO:0013602, OMIM 614165.
Mitochondrial complex II deficiency, nuclear type 1. Also called: SUCCINATE CoQ REDUCTASE DEFICIENCY. Identifiers: Orphanet 3208, MedGen C5700310, MONDO:0100294, OMIM 252011.
Hereditary cancer-predisposing syndrome. Also called: Tumor predisposition; Hereditary neoplastic syndrome; Neoplastic Syndromes, Hereditary; Hereditary Cancer Syndrome. Identifiers: Orphanet 140162, MedGen C0027672, MeSH D009386, MONDO:0015356.

Allele frequency attached by ClinVar (database versions not stated): TOPMed below 0.00001; gnomAD 0.00001; gnomAD exomes 0.00001.

Submissions (3):

Labcorp Genetics (formerly Invitae), Labcorp
Classification: Likely benign for Pheochromocytoma/paraganglioma syndrome 5; Mitochondrial complex II deficiency, nuclear type 1. Last evaluated: 2025-07-30. Review status: criteria provided, single submitter. Criteria: Invitae Variant Classification Sherloc (09022015). Collection method: clinical testing. Allele origin: germline.

Myriad Genetics, Inc.
Classification: Benign for Pheochromocytoma/paraganglioma syndrome 5. Last evaluated: 2025-03-11. Review status: criteria provided, single submitter. Criteria: Myriad Autosomal Dominant, Autosomal Recessive and X-Linked Classification Criteria (2023). Collection method: clinical testing. Allele origin: unknown.
Comment: This variant is considered benign. This variant is a silent/synonymous amino acid change and it is not expected to impact splicing.

Ambry Genetics
Classification: Likely benign for Hereditary cancer-predisposing syndrome. Last evaluated: 2018-06-11. Review status: criteria provided, single submitter. Criteria: Ambry Variant Classification Scheme 2023. Collection method: clinical testing. Allele origin: germline.